The following is an entry in ClinVar:

ClinVar aggregate classification (germline): Uncertain significance (1 of 4 stars; one submission).

Conditions:
Hereditary cancer-predisposing syndrome. Also called: Hereditary neoplastic syndrome; Neoplastic Syndromes, Hereditary; Tumor predisposition; Hereditary Cancer Syndrome. Identifiers: Orphanet 140162, MedGen C0027672, MeSH D009386, MONDO:0015356.

Submission:

Ambry Genetics
Classification: Uncertain significance for Hereditary cancer-predisposing syndrome. Last evaluated: 2025-08-27. Review status: criteria provided, single submitter. Criteria: Ambry Variant Classification Scheme 2023. Collection method: clinical testing. Allele origin: germline.
Comment: The p.L167M variant (also known as c.499C>A), located in coding exon 6 of the MUTYH gene, results from a C to A substitution at nucleotide position 499. The leucine at codon 167 is replaced by methionine, an amino acid with highly similar properties. This amino acid position is conserved. In addition, the in silico prediction for this alteration is inconclusive. Based on the available evidence, the clinical significance of this variant remains unclear.

NM_001048174.2(MUTYH):c.415C>A (p.Leu139Met)

Gene: MUTYH (mutY DNA glycosylase; minus strand). Cytogenetic location: 1p34.1.
Variant type: single nucleotide variant.
Coding change: c.415C>A on transcript NM_001048174.2 (MANE Select); coding-DNA position 415, C replaced by A.
Protein change: p.Leu139Met; replaces leucine 139 with methionine.
Molecular consequence: missense variant. On other transcripts: non-coding transcript variant (6), intron variant (4).
Genome position (GRCh38, 1-based): chr1:45,332,923, G>T on the plus strand (C>A on the coding strand, the complement: MUTYH is on the minus strand). VCF-style: chr1-45332923-G-T. GRCh37 (hg19) VCF-style: chr1-45798595-G-T.
Other names: c.415C>A, p.Leu139Met (NM_001048171.2, NM_001048173.2, NM_001293195.2 and 5 more transcripts); c.418C>A, p.Leu140Met (NM_001048172.2, NM_001407071.1, NM_001407078.1 and 1 more transcripts); c.499C>A, p.Leu167Met (NM_001128425.2); c.460C>A, p.Leu154Met (NM_001293190.2); c.448C>A, p.Leu150Met (NM_001293191.2, NM_001407077.1); c.139C>A, p.Leu47Met (NM_001293192.2, NM_001293196.2, NM_001407091.1); c.70C>A, p.Leu24Met (NM_001350650.2, NM_001350651.2, NM_001407082.1); c.331C>A, p.Leu111Met (NM_001407075.1); and 7 more; short protein forms L111M, L139M, L154M, L167M, L150M, L153M, L47M, L140M.
Identifiers: ClinVar variation 4113698 (VCV004113698.1).
Genomic context (GRCh38, chr1:45,332,923, plus strand): 5'-TCACCCGTCAGTCCCTCTATTGTTCCTATTTCCCCTACCCTAGGGTGGCTCTCACCTCCA[G>T]GGAAGCACTGGCCAGGTCCTGCAGTGTAGGCCACTTCTATAGCCACAGGCAGGCAGAAAG-3'
Protein context (NP_001041639.1, residues 129-149): PTLQDLASAS[Leu139Met]EEVNQLWAGL